The following is an entry in ClinVar:

ClinVar aggregate classification (germline): Pathogenic (1 of 4 stars; one submission).

Conditions:
Aortic aneurysm, familial thoracic 4 (AAT4). Also called: AORTIC ANEURYSM/AORTIC DISSECTION AND PATENT DUCTUS ARTERIOSUS. Identifiers: MedGen C1851504, MONDO:0007568, OMIM 132900.

Submission:

Labcorp Genetics (formerly Invitae), Labcorp
Classification: Pathogenic for Aortic aneurysm, familial thoracic 4. Last evaluated: 2023-12-12. Review status: criteria provided, single submitter. Criteria: Invitae Variant Classification Sherloc (09022015). Collection method: clinical testing. Allele origin: germline.
Comment: This sequence change creates a premature translational stop signal (p.Lys1401Glufs*23) in the MYH11 gene. It is expected to result in an absent or disrupted protein product. Loss-of-function variants in MYH11 are known to be pathogenic (PMID: 25407000, 29575632). This variant is not present in population databases (gnomAD no frequency). This variant has not been reported in the literature in individuals affected with MYH11-related conditions. For these reasons, this variant has been classified as Pathogenic.

Literature cited by the submitters: PubMed 25407000; PubMed 29575632.

NM_002474.3(MYH11):c.4179dup (p.Lys1394fs)

Genes: MYH11 (myosin heavy chain 11; minus strand), NDE1 (nudE neurodevelopment protein 1; plus strand). Cytogenetic location: 16p13.11.
Variant type: Duplication.
Coding change: c.4179dup on transcript NM_002474.3 (MANE Select); coding-DNA position 4179, one base duplicated (G; older notation c.4179dupG).
Protein change: p.Lys1394fs; shifts the reading frame from lysine 1394.
Molecular consequence: frameshift variant. On other transcripts: 3 prime UTR variant (2).
Genome position (GRCh38, 1-based): chr16:15,724,347, C duplicated on the plus strand (G on the coding strand, the reverse complement: MYH11 is on the minus strand); the first of 4 consecutive C bases (chr16:15,724,347-15,724,350); duplicating any one gives the same sequence. VCF-style (leftmost placement, unchanged base first): chr16-15724346-T-TC. GRCh37 (hg19) VCF-style: chr16-15818203-T-TC.
Other names: c.4200dup, p.Lys1401fs (NM_001040113.2, NM_001040114.2); c.4179dup, p.Lys1394fs (NM_022844.3); c.*99dup (NM_001143979.2, NM_017668.3); short protein forms K1401fs, K1394fs.
Identifiers: ClinVar variation 2726402 (VCV002726402.3), dbSNP rs2506141454, ClinGen allele CA2697551999.